The following is an entry in ClinVar:

ClinVar aggregate classification (germline): Likely benign. Review status: criteria provided, multiple submitters, no conflicts (2 of 4 stars). 8 submissions from 8 submitters: Likely benign (8). Last evaluated 2025-12-24.

Conditions:
CDH1-related disorder. Also called: CDH1-related condition.
Hereditary cancer-predisposing syndrome. Also called: Neoplastic Syndromes, Hereditary; Tumor predisposition; Hereditary Cancer Syndrome; Hereditary neoplastic syndrome. Identifiers: Orphanet 140162, MedGen C0027672, MeSH D009386, MONDO:0015356.
Hereditary diffuse gastric adenocarcinoma (HDGC). Also called: DIFFUSE GASTRIC AND LOBULAR BREAST CANCER SYNDROME. Identifiers: Orphanet 26106, MedGen C1708349, MONDO:0007648, OMIM 137215.

Allele frequency attached by ClinVar (database versions not stated): gnomAD exomes below 0.00001 and 0.00001; ExAC 0.00002; gnomAD 0.00003; TOPMed 0.00006.
gnomAD v4.1: 8 of 1,614,054 alleles (0.0005%); highest among the groups gnomAD compares: African/African-American, 0.0093%; no homozygotes.

Submissions (8):

Labcorp Genetics (formerly Invitae), Labcorp
Classification: Likely benign for Hereditary diffuse gastric adenocarcinoma. Last evaluated: 2025-12-24. Review status: criteria provided, single submitter. Criteria: Invitae Variant Classification Sherloc (09022015). Collection method: clinical testing. Allele origin: germline.

PreventionGenetics, part of Exact Sciences
Classification: Likely benign for CDH1-related condition. Last evaluated: 2025-05-02. Review status: criteria provided, single submitter. Criteria: ACMG Guidelines, 2015. Collection method: clinical testing. Allele origin: germline.
Comment: This variant is classified as likely benign based on ACMG/AMP sequence variant interpretation guidelines (Richards et al. 2015 PMID: 25741868, with internal and published modifications).

Women's Health and Genetics/Laboratory Corporation of America, LabCorp
Classification: Likely benign. Last evaluated: 2025-04-22. Review status: criteria provided, single submitter. Criteria: LabCorp Variant Classification Summary - May 2015. Collection method: clinical testing. Allele origin: germline.
Comment: Variant summary: CDH1 c.688-4T>C alters a nucleotide located at a position not widely known to affect splicing. Consensus agreement among computation tools predict no significant impact on normal splicing. However, these predictions have yet to be confirmed by functional studies. The variant allele was found at a frequency of 8e-06 in 251438 control chromosomes. The available data on variant occurrences in the general population are insufficient to allow any conclusion about variant significance. c.688-4T>C has been observed in individual(s) affected with Hereditary Diffuse Gastric Cancer. These report(s) do not provide unequivocal conclusions about association of the variant with Hereditary Diffuse Gastric Cancer. To our knowledge, no experimental evidence demonstrating an impact on protein function has been reported. ClinVar contains an entry for this variant (Variation ID: 230244). Based on the evidence outlined above, the variant was classified as likely benign.

Myriad Genetics, Inc.
Classification: Likely benign for Hereditary diffuse gastric adenocarcinoma. Last evaluated: 2024-09-13. Review status: criteria provided, single submitter. Criteria: Myriad Autosomal Dominant, Autosomal Recessive and X-Linked Classification Criteria (2023). Collection method: clinical testing. Allele origin: unknown.
Comment: This variant is considered likely benign. This variant is intronic and is not expected to impact mRNA splicing.

Genetic Services Laboratory, University of Chicago
Classification: Likely benign. Last evaluated: 2019-12-31. Review status: criteria provided, single submitter. Criteria: ACMG Guidelines, 2015. Collection method: clinical testing. Allele origin: germline. Affected: no.

Ambry Genetics
Classification: Likely benign for Hereditary cancer-predisposing syndrome. Last evaluated: 2019-05-16. Review status: criteria provided, single submitter. Criteria: Ambry Variant Classification Scheme 2023. Collection method: clinical testing. Allele origin: germline.

GeneDx
Classification: Likely benign. Last evaluated: 2017-09-08. Review status: criteria provided, single submitter. Criteria: GeneDx Variant Classification (06012015). Collection method: clinical testing. Allele origin: germline. Affected: yes.
Comment: This variant is considered likely benign or benign based on one or more of the following criteria: it is a conservative change, it occurs at a poorly conserved position in the protein, it is predicted to be benign by multiple in silico algorithms, and/or has population frequency not consistent with disease.

Color Diagnostics, LLC DBA Color Health
Classification: Likely benign for Hereditary cancer-predisposing syndrome. Last evaluated: 2016-04-26. Review status: criteria provided, single submitter. Criteria: ACMG Guidelines, 2015. Collection method: clinical testing. Allele origin: germline.

Literature cited by the submitters: PubMed 25318351 (cited by Women's Health and Genetics/Laboratory Corporation of America, LabCorp and Ambry Genetics).

NM_004360.5(CDH1):c.688-4T>C

Gene: CDH1 (cadherin 1; plus strand). Cytogenetic location: 16q22.1.
Variant type: single nucleotide variant.
Coding change: c.688-4T>C on transcript NM_004360.5 (MANE Select); 4 bases into the intron before coding-DNA position 688, T replaced by C.
Molecular consequence: intron variant.
Genome position (GRCh38, 1-based): chr16:68,810,193, T>C. VCF-style: chr16-68810193-T-C. GRCh37 (hg19) VCF-style: chr16-68844096-T-C.
Other names: c.-928-4T>C (NM_001317185.2); c.-1132-4T>C (NM_001317186.2); c.688-4T>C (NM_001317184.2, LRG_301t1).
Identifiers: ClinVar variation 230244 (VCV000230244.27), dbSNP rs781633588, ClinGen allele CA8129922.